The following is an entry in ClinVar:

NM_000122.2(ERCC3):c.2136C>T (p.Leu712=)

Gene: ERCC3 (ERCC excision repair 3, TFIIH core complex helicase subunit; minus strand). Cytogenetic location: 2q14.3.
Variant type: single nucleotide variant.
Coding change: c.2136C>T on transcript NM_000122.2 (MANE Select); coding-DNA position 2136, C replaced by T.
Protein change: p.Leu712=; no amino-acid change (leucine 712 retained).
Molecular consequence: synonymous variant.
Genome position (GRCh38, 1-based): chr2:127,259,377, G>A on the plus strand (C>T on the coding strand, the complement: ERCC3 is on the minus strand). VCF-style: chr2-127259377-G-A. GRCh37 (hg19) VCF-style: chr2-128016953-G-A.
Other names: c.1944C>T, p.Leu648= (NM_001303416.2, NM_001303418.2).
Identifiers: ClinVar variation 2651328 (VCV002651328.25), dbSNP rs770343415, ClinGen allele CA1858071.
Genomic context (GRCh38, chr2:127,259,377, plus strand): 5'-TTCCCCAGCCACCACCTCCTCCTCGGCATCCAGGTCAGTGGCTGCCAGGACTTTCTGTAA[G>A]AGCTGCTGTTGCTCTTCTTTTGTCGAAAACGCCAAGTCTTCCTCCTCCATGCCAGCGAGT-3'
Protein context (NP_000113.1, residues 702-722): AFSTKEEQQQ[Leu712=]LQKVLAATDL

ClinVar aggregate classification (germline): Likely benign. Review status: criteria provided, multiple submitters, no conflicts (2 of 4 stars). 2 submissions from 2 submitters: Likely benign (2). Last evaluated 2025-09-24.

gnomAD v4.1: 4 of 1,614,190 alleles (0.00025%); highest among the groups gnomAD compares: East Asian, 0.0045%; no homozygotes.

Submissions (2):

Labcorp Genetics (formerly Invitae), Labcorp
Classification: Likely benign. Last evaluated: 2025-09-24. Review status: criteria provided, single submitter. Criteria: Invitae Variant Classification Sherloc (09022015). Collection method: clinical testing. Allele origin: germline.

CeGaT Center for Human Genetics Tuebingen
Classification: Likely benign. Last evaluated: 2022-06-01. Review status: criteria provided, single submitter. Criteria: CeGaT Center For Human Genetics Tuebingen Variant Classification Criteria Version 2. Collection method: clinical testing. Allele origin: germline. Affected: yes. Observed: 1 variant allele.
Comment: ERCC3: BP4, BP7